The following is an entry in ClinVar:

ClinVar aggregate classification (germline): Likely benign. Review status: criteria provided, multiple submitters, no conflicts (2 of 4 stars). 3 submissions from 3 submitters: Likely benign (3). Last evaluated 2025-12-17.

Conditions:
Juvenile polyposis syndrome (JPS). Identifiers: Orphanet 2929, MedGen C0345893, MONDO:0017380, OMIM 174900.

Allele frequency attached by ClinVar (database versions not stated): TOPMed below 0.00001; gnomAD 0.00001.
gnomAD v4.1: 11 of 1,612,414 alleles (0.00068%); highest among the groups gnomAD compares: Non-Finnish European, 0.00093%; no homozygotes.

Submissions (3):

Labcorp Genetics (formerly Invitae), Labcorp
Classification: Likely benign for Juvenile polyposis syndrome. Last evaluated: 2025-12-17. Review status: criteria provided, single submitter. Criteria: Invitae Variant Classification Sherloc (09022015). Collection method: clinical testing. Allele origin: germline.

ARUP Laboratories, Molecular Genetics and Genomics, ARUP Laboratories
Classification: Likely benign. Last evaluated: 2023-02-28. Review status: criteria provided, single submitter. Criteria: ARUP Molecular Germline Variant Investigation Process 2024. Collection method: clinical testing. Allele origin: germline.

GeneDx
Classification: Likely benign. Last evaluated: 2017-02-15. Review status: criteria provided, single submitter. Criteria: GeneDx Variant Classification (06012015). Collection method: clinical testing. Allele origin: germline. Affected: yes.
Comment: This variant is considered likely benign or benign based on one or more of the following criteria: it is a conservative change, it occurs at a poorly conserved position in the protein, it is predicted to be benign by multiple in silico algorithms, and/or has population frequency not consistent with disease.

NM_004329.3(BMPR1A):c.230+20C>G

Gene: BMPR1A (bone morphogenetic protein receptor type 1A; plus strand). Cytogenetic location: 10q23.2.
Variant type: single nucleotide variant.
Coding change: c.230+20C>G on transcript NM_004329.3 (MANE Select); 20 bases into the intron after coding-DNA position 230, C replaced by G.
Molecular consequence: intron variant.
Genome position (GRCh38, 1-based): chr10:86,890,244, C>G. VCF-style: chr10-86890244-C-G. GRCh37 (hg19) VCF-style: chr10-88650001-C-G.
Identifiers: ClinVar variation 507523 (VCV000507523.9), dbSNP rs755474277, ClinGen allele CA595183778.
Genomic context (GRCh38, chr10:86,890,244, plus strand): 5'-TCAGGGCACTGTCCAGATGATGCTATTAATAACACATGCATGTAAGTATTTTATGCAGCC[C>G]TTCTTAAGAGTTAGGAGAATAGAGTTGCATTTAGTGCTATTTTAAGAATTATTAAACTTG-3'